The following is an entry in ClinVar:

ClinVar aggregate classification (germline): Uncertain significance (1 of 4 stars; one submission).

Conditions:
Hereditary cancer-predisposing syndrome. Also called: Hereditary Cancer Syndrome; Hereditary neoplastic syndrome; Neoplastic Syndromes, Hereditary; Tumor predisposition. Identifiers: Orphanet 140162, MedGen C0027672, MeSH D009386, MONDO:0015356.

Submission:

Ambry Genetics
Classification: Uncertain significance for Hereditary cancer-predisposing syndrome. Last evaluated: 2026-08-11. Review status: criteria provided, single submitter. Criteria: Ambry Variant Classification Scheme 2023. Collection method: clinical testing. Allele origin: germline.
Comment: The p.C454Y variant (also known as c.1361G>A), located in coding exon 10 of the PTCH1 gene, results from a G to A substitution at nucleotide position 1361. The cysteine at codon 454 is replaced by tyrosine, an amino acid with highly dissimilar properties. This amino acid position is highly conserved in available vertebrate species. In addition, this alteration is predicted to be deleterious by in silico analysis. Based on the available evidence, the clinical significance of this variant remains unclear.

NM_000264.5(PTCH1):c.1361G>A (p.Cys454Tyr)

Gene: PTCH1 (patched 1; minus strand). Cytogenetic location: 9q22.32.
Variant type: single nucleotide variant.
Coding change: c.1361G>A on transcript NM_000264.5 (MANE Select); coding-DNA position 1361, G replaced by A.
Protein change: p.Cys454Tyr; replaces cysteine 454 with tyrosine.
Molecular consequence: missense variant. On other transcripts: non-coding transcript variant (1), intron variant (1).
Genome position (GRCh38, 1-based): chr9:95,477,689, C>T on the plus strand (G>A on the coding strand, the complement: PTCH1 is on the minus strand). VCF-style: chr9-95477689-C-T. GRCh37 (hg19) VCF-style: chr9-98239971-C-T.
Other names: c.1163G>A, p.Cys388Tyr (NM_001083602.3); c.1358G>A, p.Cys453Tyr (NM_001083603.3); c.908G>A, p.Cys303Tyr (NM_001083604.3, NM_001083605.3, NM_001083606.3 and 1 more transcripts); c.1347+366G>A (NM_001354918.2); short protein forms C303Y, C453Y, C454Y, C388Y.
Identifiers: ClinVar variation 1770845 (VCV001770845.3), dbSNP rs1841169171, ClinGen allele CA374118658.